The following is an entry in ClinVar:

NM_024928.5(STN1):c.434G>A (p.Arg145Gln)

Gene: STN1 (STN1 subunit of CST complex; minus strand). Cytogenetic location: 10q24.33.
Variant type: single nucleotide variant.
Coding change: c.434G>A on transcript NM_024928.5 (MANE Select); coding-DNA position 434, G replaced by A.
Protein change: p.Arg145Gln; replaces arginine 145 with glutamine.
Molecular consequence: missense variant.
Genome position (GRCh38, 1-based): chr10:103,900,085, C>T on the plus strand (G>A on the coding strand, the complement: STN1 is on the minus strand). VCF-style: chr10-103900085-C-T. GRCh37 (hg19) VCF-style: chr10-105659843-C-T.
Other names: short protein forms R145Q.
Identifiers: ClinVar variation 1474373 (VCV001474373.4), dbSNP rs111655573, ClinGen allele CA212423401.

ClinVar aggregate classification (germline): Uncertain significance (1 of 4 stars; one submission).

Allele frequency attached by ClinVar (database versions not stated): gnomAD exomes below 0.00001 and 0.00001; TOPMed below 0.00001; gnomAD 0.00001.
gnomAD v4.1: 15 of 1,613,950 alleles (0.00093%); highest among the groups gnomAD compares: African/African-American, 0.011%; 1 homozygote.

Submission:

Labcorp Genetics (formerly Invitae), Labcorp
Classification: Uncertain significance. Last evaluated: 2023-12-11. Review status: criteria provided, single submitter. Criteria: Invitae Variant Classification Sherloc (09022015). Collection method: clinical testing. Allele origin: germline.
Comment: This sequence change replaces arginine, which is basic and polar, with glutamine, which is neutral and polar, at codon 145 of the STN1 protein (p.Arg145Gln). This variant is present in population databases (rs111655573, gnomAD 0.01%). This variant has not been reported in the literature in individuals affected with STN1-related conditions. ClinVar contains an entry for this variant (Variation ID: 1474373). Advanced modeling of protein sequence and biophysical properties (such as structural, functional, and spatial information, amino acid conservation, physicochemical variation, residue mobility, and thermodynamic stability) performed at Invitae indicates that this missense variant is expected to disrupt STN1 protein function with a positive predictive value of 80%. In summary, the available evidence is currently insufficient to determine the role of this variant in disease. Therefore, it has been classified as a Variant of Uncertain Significance.